The following is an entry in ClinVar:

NM_001126121.2(SLC25A19):c.685A>C (p.Ile229Leu)

Gene: SLC25A19 (solute carrier family 25 member 19; minus strand). Cytogenetic location: 17q25.1.
Variant type: single nucleotide variant.
Coding change: c.685A>C on transcript NM_001126121.2 (MANE Select); coding-DNA position 685, A replaced by C.
Protein change: p.Ile229Leu; replaces isoleucine 229 with leucine.
Molecular consequence: missense variant.
Genome position (GRCh38, 1-based): chr17:75,277,442, T>G on the plus strand (A>C on the coding strand, the complement: SLC25A19 is on the minus strand). VCF-style: chr17-75277442-T-G. GRCh37 (hg19) VCF-style: chr17-73273523-T-G.
Other names: c.685A>C, p.Ile229Leu (NM_021734.5, NM_001126122.2); short protein forms I229L.
Identifiers: ClinVar variation 1440923 (VCV001440923.7), dbSNP rs776172139, ClinGen allele CA8760911.

ClinVar aggregate classification (germline): Uncertain significance (1 of 4 stars; one submission).

Allele frequency attached by ClinVar (database versions not stated): gnomAD 0.00001; TOPMed 0.00001.
gnomAD v4.1: 10 of 1,613,986 alleles (0.00062%); highest among the groups gnomAD compares: Non-Finnish European, 0.00085%; no homozygotes.

Submission:

Labcorp Genetics (formerly Invitae), Labcorp
Classification: Uncertain significance. Last evaluated: 2022-10-17. Review status: criteria provided, single submitter. Criteria: Invitae Variant Classification Sherloc (09022015). Collection method: clinical testing. Allele origin: germline.
Comment: In summary, the available evidence is currently insufficient to determine the role of this variant in disease. Therefore, it has been classified as a Variant of Uncertain Significance. Advanced modeling of protein sequence and biophysical properties (such as structural, functional, and spatial information, amino acid conservation, physicochemical variation, residue mobility, and thermodynamic stability) performed at Invitae indicates that this missense variant is not expected to disrupt SLC25A19 protein function. ClinVar contains an entry for this variant (Variation ID: 1440923). This variant has not been reported in the literature in individuals affected with SLC25A19-related conditions. This variant is present in population databases (rs776172139, gnomAD 0.0009%). This sequence change replaces isoleucine, which is neutral and non-polar, with leucine, which is neutral and non-polar, at codon 229 of the SLC25A19 protein (p.Ile229Leu).